The following is an entry in ClinVar:

NM_032620.4(GTPBP3):c.675A>G (p.Glu225=)

Gene: GTPBP3 (GTP binding protein 3, mitochondrial; plus strand). Cytogenetic location: 19p13.11.
Variant type: single nucleotide variant.
Coding change: c.675A>G on transcript NM_032620.4 (MANE Select); coding-DNA position 675, A replaced by G.
Protein change: p.Glu225=; no amino-acid change (glutamic acid 225 retained).
Molecular consequence: synonymous variant.
Genome position (GRCh38, 1-based): chr19:17,339,133, A>G. VCF-style: chr19-17339133-A-G. GRCh37 (hg19) VCF-style: chr19-17449942-A-G.
Other names: c.675A>G, p.Glu225= (NM_001128855.3); c.741A>G, p.Glu247= (NM_001195422.1); c.771A>G, p.Glu257= (NM_133644.4).
Identifiers: ClinVar variation 2196943 (VCV002196943.1), dbSNP rs2513205767, ClinGen allele CA506099568.

ClinVar aggregate classification (germline): Uncertain significance (1 of 4 stars; one submission).

Allele frequency attached by ClinVar (database versions not stated): gnomAD exomes below 0.00001.

Submission:

Labcorp Genetics (formerly Invitae), Labcorp
Classification: Uncertain significance. Last evaluated: 2022-03-12. Review status: criteria provided, single submitter. Criteria: Invitae Variant Classification Sherloc (09022015). Collection method: clinical testing. Allele origin: germline.
Comment: This sequence change affects codon 257 of the GTPBP3 mRNA. It is a 'silent' change, meaning that it does not change the encoded amino acid sequence of the GTPBP3 protein. This variant is not present in population databases (gnomAD no frequency). This variant has not been reported in the literature in individuals affected with GTPBP3-related conditions. Algorithms developed to predict the effect of sequence changes on RNA splicing suggest that this variant may create or strengthen a splice site. In summary, the available evidence is currently insufficient to determine the role of this variant in disease. Therefore, it has been classified as a Variant of Uncertain Significance.